The following is an entry in ClinVar:

NM_001243133.2(NLRP3):c.2668G>T (p.Val890Leu)

Gene: NLRP3 (NLR family pyrin domain containing 3; plus strand). Cytogenetic location: 1q44.
Variant type: single nucleotide variant.
Coding change: c.2668G>T on transcript NM_001243133.2 (MANE Select); coding-DNA position 2668, G replaced by T.
Protein change: p.Val890Leu; replaces valine 890 with leucine.
Molecular consequence: missense variant.
Genome position (GRCh38, 1-based): chr1:247,443,976, G>T. VCF-style: chr1-247443976-G-T. GRCh37 (hg19) VCF-style: chr1-247607278-G-T.
Other names: c.2668G>T, p.Val890Leu (NM_001079821.3); c.2497G>T, p.Val833Leu (NM_001127461.3, NM_001127462.3); c.2674G>T, p.Val892Leu (NM_004895.5); c.2326G>T, p.Val776Leu (NM_183395.3); short protein forms V892L, V890L, V776L, V833L.
Identifiers: ClinVar variation 618256 (VCV000618256.22), dbSNP rs193085132, ClinGen allele CA1495334.

ClinVar aggregate classification (germline): Conflicting classifications of pathogenicity. Review status: criteria provided, conflicting classifications (1 of 4 stars). 5 submissions from 5 submitters: Uncertain significance (2); Likely benign (3). Last evaluated 2026-04-14.

Conditions:
Cryopyrin associated periodic syndrome (CAPS). Identifiers: Orphanet 208650, MedGen C2316212, MONDO:0016168.
Inborn genetic diseases. Identifiers: MedGen C0950123, MeSH D030342.

Allele frequency attached by ClinVar (database versions not stated): gnomAD exomes 0.00002 and 0.00005; ExAC 0.00007; ESP Exome Variant Server 0.00023; gnomAD 0.00023 and 0.00025; TOPMed 0.00024; 1000 Genomes Project 30x 0.00031; 1000 Genomes Project 0.00040.
gnomAD v4.1: 68 of 1,614,034 alleles (0.0042%); highest among the groups gnomAD compares: African/African-American, 0.089%; no homozygotes.

Submissions (5):

Women's Health and Genetics/Laboratory Corporation of America, LabCorp
Classification: Likely benign. Last evaluated: 2026-04-14. Review status: criteria provided, single submitter. Criteria: LabCorp Variant Classification Summary - May 2015. Collection method: clinical testing. Allele origin: germline.
Comment: Variant summary: NLRP3 c.2674G>T (p.Val892Leu) results in a conservative amino acid change in the encoded protein sequence. Algorithms developed to predict the effect of missense changes on protein structure and function all suggest that this variant is likely to be tolerated. The variant allele was found at a frequency of 5.2e-05 in 251234 control chromosomes, predominantly at a frequency of 0.00074 within the African or African-American subpopulation in the gnomAD database. The observed variant frequency within African or African-American control individuals in the gnomAD database exceeds the estimated maximal expected allele frequency for disease-causing variants in NLRP3. To our knowledge, no occurrence of c.2674G>T in individuals affected with NLRP3-related conditions and no experimental evidence demonstrating its impact on protein function have been reported. ClinVar contains an entry for this variant (Variation ID: 618256). Based on the evidence outlined above, the variant was classified as likely benign.

Labcorp Genetics (formerly Invitae), Labcorp
Classification: Likely benign for Cryopyrin associated periodic syndrome. Last evaluated: 2025-09-30. Review status: criteria provided, single submitter. Criteria: Invitae Variant Classification Sherloc (09022015). Collection method: clinical testing. Allele origin: germline.

GeneDx
Classification: Uncertain significance. Last evaluated: 2024-09-04. Review status: criteria provided, single submitter. Criteria: GeneDx Variant Classification Process June 2021. Collection method: clinical testing. Allele origin: germline. Affected: yes.
Comment: In silico analysis indicates that this missense variant does not alter protein structure/function; Also known as p.V890L; This variant is associated with the following publications: (PMID: 34515852)

Ambry Genetics
Classification: Likely benign for Inborn genetic diseases. Last evaluated: 2024-01-16. Review status: criteria provided, single submitter. Criteria: Ambry Variant Classification Scheme 2023. Collection method: clinical testing. Allele origin: germline.

ARUP Laboratories, Molecular Genetics and Genomics, ARUP Laboratories
Classification: Uncertain significance. Last evaluated: 2017-10-13. Review status: criteria provided, single submitter. Criteria: ARUP Molecular Germline Variant Investigation Process. Collection method: clinical testing. Allele origin: germline.
Comment: The NLRP3 c.2674G>T; p.Val892Leu variant is not published in the medical literature, in gene-specific databases, or in the ClinVar database. The variant is listed in the dbSNP variant database (rs193085132), in the Exome Variant Server with an allele frequency of 0.0231 percent (3/13003 alleles), and in the Genome Aggregation Database with an allele frequency of 0.006498 percent (18/277012 alleles). The valine at this position is moderately conserved across species and computational algorithms (AlignGVGD, PolyPhen2, SIFT) predict this variant is tolerated. Considering available information, there is insufficient evidence to classify this variant with certainty. Pathogenic NLRP3 variants are causative for autosomal dominant CINCA syndrome (MIM#607115), familial cold-induced inflammatory syndrome (MIM#120100), and Muckle-Wells syndrome (MIM#191900).